The following is an entry in ClinVar:

ClinVar aggregate classification (germline): Likely pathogenic (1 of 4 stars; one submission).

Conditions:
Fanconi anemia (FA). Also called: Fanconi's anemia. Identifiers: Orphanet 84, MedGen C0015625, MeSH D005199, MONDO:0019391.

Submission:

Labcorp Genetics (formerly Invitae), Labcorp
Classification: Likely pathogenic for Fanconi anemia. Last evaluated: 2021-08-12. Review status: criteria provided, single submitter. Criteria: Invitae Variant Classification Sherloc (09022015). Collection method: clinical testing. Allele origin: germline.
Comment: This sequence change affects an acceptor splice site in intron 8 of the FANCC gene. RNA analysis indicates that disruption of this splice site induces altered splicing and may result in an absent or disrupted protein product. This variant is not present in population databases (ExAC no frequency). Disruption of this splice site has been observed in individual(s) with clinical features of Fanconi anemia (PMID: 17924555, 30031030). Studies have shown that disruption of this splice site results in skipping of exon 9 and introduces a premature termination codon (PMID: 30031030). The resulting mRNA is expected to undergo nonsense-mediated decay. In summary, the currently available evidence indicates that the variant is pathogenic, but additional data are needed to prove that conclusively. Therefore, this variant has been classified as Likely Pathogenic.

Literature cited by the submitters: PubMed 17924555; PubMed 30031030.

NM_000136.3(FANCC):c.844-1G>T

Genes: AOPEP (aminopeptidase O (putative); plus strand), FANCC (FA complementation group C; minus strand). Cytogenetic location: 9q22.32.
Variant type: single nucleotide variant.
Coding change: c.844-1G>T on transcript NM_000136.3 (MANE Select); the canonical splice acceptor site of the intron before coding-DNA position 844, G replaced by T.
Molecular consequence: splice acceptor variant.
Genome position (GRCh38, 1-based): chr9:95,126,582, C>A on the plus strand (G>T on the coding strand, the complement: FANCC is on the minus strand). VCF-style: chr9-95126582-C-A. GRCh37 (hg19) VCF-style: chr9-97888864-C-A.
Other names: c.844-1G>T (NM_001243743.2, NM_001243744.2).
Identifiers: ClinVar variation 1508449 (VCV001508449.5), dbSNP rs774209201, ClinGen allele CA374109159.